The following is an entry in ClinVar:

NM_015978.3(TNNI3K):c.800A>G (p.Asn267Ser)

Genes: FPGT-TNNI3K (FPGT-TNNI3K readthrough; plus strand), TNNI3K (TNNI3 interacting kinase; plus strand). Cytogenetic location: 1p31.1.
Variant type: single nucleotide variant.
Coding change: c.800A>G on transcript NM_015978.3 (MANE Select); coding-DNA position 800, A replaced by G.
Protein change: p.Asn267Ser; replaces asparagine 267 with serine.
Molecular consequence: missense variant.
Genome position (GRCh38, 1-based): chr1:74,342,959, A>G. VCF-style: chr1-74342959-A-G. GRCh37 (hg19) VCF-style: chr1-74808643-A-G.
Other names: c.1103A>G, p.Asn368Ser (NM_001112808.3, NM_001199327.2); short protein forms N267S, N368S.
Identifiers: ClinVar variation 1495496 (VCV001495496.6), dbSNP rs754416076, ClinGen allele CA909015.
Genomic context (GRCh38, chr1:74,342,959, plus strand): 5'-ACCATGATATAGTTAAGTATCTGCTGCAAAGTGATTTGGAAGTTCAACCTCATGTTGTTA[A>G]TATCTATGGAGATACCCCCTTACACCTGTGAGTATTATGTAGCATTCCATAGGTTCTCCA-3'
Protein context (NP_057062.1, residues 257-277): SDLEVQPHVV[Asn267Ser]IYGDTPLHLA

ClinVar aggregate classification (germline): Uncertain significance (1 of 4 stars; one submission).

Allele frequency attached by ClinVar (database versions not stated): gnomAD exomes below 0.00001; ExAC 0.00001.
gnomAD v4.1: 14 of 1,613,930 alleles (0.00087%); highest among the groups gnomAD compares: African/African-American, 0.0013%; no homozygotes.

Submission:

Labcorp Genetics (formerly Invitae), Labcorp
Classification: Uncertain significance. Last evaluated: 2022-06-13. Review status: criteria provided, single submitter. Criteria: Invitae Variant Classification Sherloc (09022015). Collection method: clinical testing. Allele origin: germline.
Comment: Algorithms developed to predict the effect of sequence changes on RNA splicing suggest that this variant may create or strengthen a splice site. In summary, the available evidence is currently insufficient to determine the role of this variant in disease. Therefore, it has been classified as a Variant of Uncertain Significance. Algorithms developed to predict the effect of missense changes on protein structure and function (SIFT, PolyPhen-2, Align-GVGD) all suggest that this variant is likely to be disruptive. This variant has not been reported in the literature in individuals affected with TNNI3K-related conditions. This variant is present in population databases (rs754416076, gnomAD 0.0009%). This sequence change replaces asparagine, which is neutral and polar, with serine, which is neutral and polar, at codon 267 of the TNNI3K protein (p.Asn267Ser).